The following is an entry in ClinVar:

ClinVar aggregate classification (germline): Pathogenic/Likely pathogenic. Review status: criteria provided, multiple submitters, no conflicts (2 of 4 stars). 4 submissions from 4 submitters: Pathogenic (2); Likely pathogenic (1). 1 of the submissions does not count toward it. Last evaluated 2023-02-06.

Conditions:
Glycogen storage disease type III (GSD3). Also called: Cori disease; FORBES DISEASE. Identifiers: Orphanet 366, MedGen C0017922, MONDO:0009291, OMIM 232400.

Submissions (4):

Department of Pathology and Laboratory Medicine, Sinai Health System
Classification: Likely pathogenic for Glycogen storage disease type III. Last evaluated: 2023-02-06. Review status: criteria provided, single submitter. Criteria: ACMG Guidelines, 2015. Collection method: research. Allele origin: germline.

Baylor Genetics
Classification: Pathogenic for Glycogen storage disease type III. Last evaluated: 2022-06-27. Review status: criteria provided, single submitter. Criteria: ACMG Guidelines, 2015. Collection method: clinical testing. Allele origin: unknown.

Labcorp Genetics (formerly Invitae), Labcorp
Classification: Pathogenic for Glycogen storage disease type III. Last evaluated: 2020-11-22. Review status: criteria provided, single submitter. Criteria: Invitae Variant Classification Sherloc (09022015). Collection method: clinical testing. Allele origin: germline.
Comment: For these reasons, this variant has been classified as Pathogenic. This variant has been observed in individual(s) with glycogen storage disease type III (PMID: 29794575). ClinVar contains an entry for this variant (Variation ID: 522549). This variant is not present in population databases (ExAC no frequency). This sequence change creates a premature translational stop signal (p.Cys126*) in the AGL gene. It is expected to result in an absent or disrupted protein product. Loss-of-function variants in AGL are known to be pathogenic (PMID: 19299494).

Bioscientia Institut fuer Medizinische Diagnostik GmbH, Sonic Healthcare
Classification: Pathogenic for Glycogen storage disease type III. Last evaluated: 2017-12-07. Review status: no assertion criteria provided. Collection method: clinical testing. Allele origin: germline. Affected: yes. Not counted in ClinVar's aggregate classification.

Literature cited by the submitters: PubMed 29794575 (cited by Labcorp Genetics (formerly Invitae), Labcorp); PubMed 19299494 (cited by Labcorp Genetics (formerly Invitae), Labcorp).

NM_000642.3(AGL):c.378T>A (p.Cys126Ter)

Gene: AGL (amylo-alpha-1,6-glucosidase and 4-alpha-glucanotransferase; plus strand). Cytogenetic location: 1p21.2.
Variant type: single nucleotide variant.
Coding change: c.378T>A on transcript NM_000642.3 (MANE Select); coding-DNA position 378, T replaced by A.
Protein change: p.Cys126Ter; replaces cysteine 126 with a stop codon.
Molecular consequence: nonsense.
Genome position (GRCh38, 1-based): chr1:99,862,341, T>A. VCF-style: chr1-99862341-T-A. GRCh37 (hg19) VCF-style: chr1-100327897-T-A.
Other names: c.378T>A, p.Cys126Ter (NM_000028.3, NM_000643.3, NM_000644.3 and 5 more transcripts); c.330T>A, p.Cys110Ter (NM_000646.3); short protein forms C126*, C110*.
Identifiers: ClinVar variation 522549 (VCV000522549.11), dbSNP rs1553183359, ClinGen allele CA341331715.